The following is an entry in ClinVar:

ClinVar aggregate classification (germline): Uncertain significance (1 of 4 stars; one submission).

Submission:

GeneDx
Classification: Uncertain significance. Last evaluated: 2024-12-17. Review status: criteria provided, single submitter. Criteria: GeneDx Variant Classification Process June 2021. Collection method: clinical testing. Allele origin: germline. Affected: yes.
Comment: In silico analysis indicates that this missense variant does not alter protein structure/function; Has not been previously published as pathogenic or benign to our knowledge

NM_001270974.2(HYDIN):c.7840T>G (p.Leu2614Val)

Gene: HYDIN (HYDIN axonemal central pair apparatus protein; minus strand). Cytogenetic location: 16q22.2.
Variant type: single nucleotide variant.
Coding change: c.7840T>G on transcript NM_001270974.2 (MANE Select); coding-DNA position 7840, T replaced by G.
Protein change: p.Leu2614Val; replaces leucine 2614 with valine.
Molecular consequence: missense variant.
Genome position (GRCh38, 1-based): chr16:70,918,375, A>C on the plus strand (T>G on the coding strand, the complement: HYDIN is on the minus strand). VCF-style: chr16-70918375-A-C. GRCh37 (hg19) VCF-style: chr16-70952278-A-C.
Other names: short protein forms L2614V.
Identifiers: ClinVar variation 3906613 (VCV003906613.1).